The following is an entry in ClinVar:

NM_000097.7(CPOX):c.347C>A (p.Pro116Gln)

Genes: CPOX (coproporphyrinogen oxidase; minus strand), LOC129937121 (ATAC-STARR-seq lymphoblastoid silent region 14560; plus strand). Cytogenetic location: 3q11.2.
Variant type: single nucleotide variant.
Coding change: c.347C>A on transcript NM_000097.7 (MANE Select); coding-DNA position 347, C replaced by A.
Protein change: p.Pro116Gln; replaces proline 116 with glutamine.
Molecular consequence: missense variant.
Genome position (GRCh38, 1-based): chr3:98,593,158, G>T on the plus strand (C>A on the coding strand, the complement: CPOX is on the minus strand). VCF-style: chr3-98593158-G-T. GRCh37 (hg19) VCF-style: chr3-98312002-G-T.
Other names: short protein forms P116Q.
Identifiers: ClinVar variation 2385795 (VCV002385795.5), dbSNP rs376755317, ClinGen allele CA2511724.
Genomic context (GRCh38, chr3:98,593,158, plus strand): 5'-GTCACAGGCGGGGCCATGAAGCTGCTGCAGCGGTGGGCCAGCTCATCCTCCTCCTCCTCC[G>T]GCCTCCCCAGCGAAGTGGCCCGCGTCCCCGAGGTCTTAGGCAACATCTCCGCCCGCTGCA-3'
Protein context (NP_000088.3, residues 106-126): SGTRATSLGR[Pro116Gln]EEEEDELAHR

ClinVar aggregate classification (germline): Uncertain significance. Review status: criteria provided, multiple submitters, no conflicts (2 of 4 stars). 2 submissions from 2 submitters: Uncertain significance (2). Last evaluated 2023-11-06.

Conditions:
Inborn genetic diseases. Identifiers: MedGen C0950123, MeSH D030342.

Allele frequency attached by ClinVar (database versions not stated): ExAC 0.00001; gnomAD 0.00009; 1000 Genomes Project 30x 0.00016; 1000 Genomes Project 0.00020.
gnomAD v4.1: 20 of 1,611,622 alleles (0.0012%); highest among the groups gnomAD compares: African/African-American, 0.024%; no homozygotes.

Submissions (2):

Labcorp Genetics (formerly Invitae), Labcorp
Classification: Uncertain significance. Last evaluated: 2023-11-06. Review status: criteria provided, single submitter. Criteria: Invitae Variant Classification Sherloc (09022015). Collection method: clinical testing. Allele origin: germline.
Comment: This sequence change replaces proline, which is neutral and non-polar, with glutamine, which is neutral and polar, at codon 116 of the CPOX protein (p.Pro116Gln). This variant is present in population databases (rs376755317, gnomAD 0.007%). This variant has not been reported in the literature in individuals affected with CPOX-related conditions. ClinVar contains an entry for this variant (Variation ID: 2385795). An algorithm developed to predict the effect of missense changes on protein structure and function (PolyPhen-2) suggests that this variant is likely to be tolerated. In summary, the available evidence is currently insufficient to determine the role of this variant in disease. Therefore, it has been classified as a Variant of Uncertain Significance.

Ambry Genetics
Classification: Uncertain significance for Inborn genetic diseases. Last evaluated: 2022-06-09. Review status: criteria provided, single submitter. Criteria: Ambry Variant Classification Scheme 2023. Collection method: clinical testing. Allele origin: germline.